The following is an entry in ClinVar:

NM_001365631.1(CLASP2):c.3786C>T (p.Asp1262=)

Gene: CLASP2 (cytoplasmic linker associated protein 2; minus strand). Cytogenetic location: 3p22.3.
Variant type: single nucleotide variant.
Coding change: c.3786C>T on transcript NM_001365631.1 (MANE Select); coding-DNA position 3786, C replaced by T.
Protein change: p.Asp1262=; no amino-acid change (aspartic acid 1262 retained).
Molecular consequence: synonymous variant.
Genome position (GRCh38, 1-based): chr3:33,535,234, G>A on the plus strand (C>T on the coding strand, the complement: CLASP2 is on the minus strand). VCF-style: chr3-33535234-G-A. GRCh37 (hg19) VCF-style: chr3-33576726-G-A.
Other names: c.3150C>T, p.Asp1050= (NM_001207044.3, NM_001400424.1); c.3849C>T, p.Asp1283= (NM_001365627.1); c.3873C>T, p.Asp1291= (NM_001365628.1); c.3870C>T, p.Asp1290= (NM_001365629.1); c.3795C>T, p.Asp1265= (NM_001365630.1); c.3783C>T, p.Asp1261= (NM_001365632.1); c.3747C>T, p.Asp1249= (NM_001365633.1); c.3744C>T, p.Asp1248= (NM_001365634.1, NM_001375703.1); and 37 more.
Identifiers: ClinVar variation 3050390 (VCV003050390.2), dbSNP rs551664425, ClinGen allele CA2302176.
Genomic context (GRCh38, chr3:33,535,234, plus strand): 5'-TACTTCATCAATTACCAAGTTCTCCAAAACAGACAGTAGCAGTGTGACCCAGAACATACC[G>A]TCAGGAAACTGGTCAGCATCATCATCAAACATGGCTTCCTTGAGGGCAGACTTGTTGAAG-3'
Protein context (NP_001352560.1, residues 1252-1272): MFDDDADQFP[Asp1262=]DLSLDHSDLV

ClinVar aggregate classification (germline): Likely benign (0 of 4 stars; one submission).

Conditions:
CLASP2-related disorder. Also called: CLASP2-related condition.

Allele frequency attached by ClinVar (database versions not stated): gnomAD exomes 0.00004; gnomAD 0.00006; TOPMed 0.00008; ExAC 0.00009; 1000 Genomes Project 30x 0.00016; 1000 Genomes Project 0.00020.
gnomAD v4.1: 62 of 1,609,598 alleles (0.0039%); highest among the groups gnomAD compares: East Asian, 0.11%; no homozygotes.

Submission:

PreventionGenetics, part of Exact Sciences
Classification: Likely benign for CLASP2-related condition. Last evaluated: 2019-09-10. Review status: no assertion criteria provided. Collection method: clinical testing. Allele origin: germline.
Comment: This variant is classified as likely benign based on ACMG/AMP sequence variant interpretation guidelines (Richards et al. 2015 PMID: 25741868, with internal and published modifications).